The following is an entry in ClinVar:

ClinVar aggregate classification (germline): Likely pathogenic (1 of 4 stars; one submission).

Conditions:
Intellectual developmental disorder, X-linked, syndromic, Raymond type. Also called: Syndromic X-linked intellectual disability Raymond type. Identifiers: MedGen C3275406, MONDO:0010427, OMIM 300799.

Submission:

Dasa
Classification: Likely pathogenic for Intellectual developmental disorder, X-linked, syndromic, Raymond type. Last evaluated: 2025-05-30. Review status: criteria provided, single submitter. Criteria: DASA Assertion Criteria. Collection method: clinical testing. Allele origin: germline.
Comment: NM_016032.4(ZDHHC9):c.711G>A (p.Trp237*) is a nonsense variant in ZDHHC9 predicted to introduce a premature termination codon and is predicted to result in an absent or altered protein product. Loss of function is an established disease mechanism for ZDHHC9 (PMID: 17436253; PMID: 20848651; PMID: 24357419). Also, this variant is absent from population databases. Based on the currently available evidence, this variant is classified as likely pathogenic.

Literature cited by the submitters: PubMed 17436253; PubMed 20848651; PubMed 24357419.

NM_016032.4(ZDHHC9):c.711G>A (p.Trp237Ter)

Gene: ZDHHC9 (zDHHC palmitoyltransferase 9; minus strand). Cytogenetic location: Xq26.1.
Variant type: single nucleotide variant.
Coding change: c.711G>A on transcript NM_016032.4 (MANE Select); coding-DNA position 711, G replaced by A.
Protein change: p.Trp237Ter; replaces tryptophan 237 with a stop codon.
Molecular consequence: nonsense.
Genome position (GRCh38, 1-based): chrX:129,812,784, C>T on the plus strand (G>A on the coding strand, the complement: ZDHHC9 is on the minus strand). VCF-style: chrX-129812784-C-T. GRCh37 (hg19) VCF-style: chrX-128946760-C-T.
Other names: c.711G>A, p.Trp237Ter (NM_001008222.3); short protein forms W237*.
Identifiers: ClinVar variation 4882715 (VCV004882715.2).